The following is an entry in ClinVar:

ClinVar aggregate classification (germline): Pathogenic (1 of 4 stars; one submission).

Conditions:
Microcephaly, normal intelligence and immunodeficiency (NBS). Also called: BERLIN BREAKAGE SYNDROME; Immunodeficiency, microcephaly with normal intelligence; IMMUNODEFICIENCY, MICROCEPHALY, AND CHROMOSOMAL INSTABILITY; SEEMANOVA SYNDROME II; Ataxia telangiectasia variant V1; Nijmegen breakage syndrome. Identifiers: Orphanet 647, MedGen C0398791, MONDO:0009623, OMIM 251260.

Submission:

Labcorp Genetics (formerly Invitae), Labcorp
Classification: Pathogenic for Microcephaly, normal intelligence and immunodeficiency. Last evaluated: 2021-09-29. Review status: criteria provided, single submitter. Criteria: Invitae Variant Classification Sherloc (09022015). Collection method: clinical testing. Allele origin: germline.
Comment: For these reasons, this variant has been classified as Pathogenic. This variant has not been reported in the literature in individuals with NBN-related conditions. This variant is not present in population databases (ExAC no frequency). This sequence change creates a premature translational stop signal (p.Asn71Ilefs*22) in the NBN gene. It is expected to result in an absent or disrupted protein product. Loss-of-function variants in NBN are known to be pathogenic (PMID: 9590180, 16415040).

Literature cited by the submitters: PubMed 9590180; PubMed 16415040.

NM_002485.5(NBN):c.210_211dup (p.Asn71fs)

Gene: NBN (nibrin; minus strand). Cytogenetic location: 8q21.3.
Variant type: Duplication.
Coding change: c.210_211dup on transcript NM_002485.5 (MANE Select); coding-DNA positions 210 to 211, 2 bases duplicated (TA; older notation c.210_211dupTA).
Protein change: p.Asn71fs; shifts the reading frame from asparagine 71.
Molecular consequence: frameshift variant. On other transcripts: 5 prime UTR variant (1).
Genome position (GRCh38, 1-based): chr8:89,981,484-89,981,485, TA duplicated on the plus strand (TA on the coding strand, the reverse complement: NBN is on the minus strand); duplicating any 2 consecutive bases within chr8:89,981,484-89,981,486 gives the same sequence; the c. name uses the placement nearest the transcript's 3' end. VCF-style (leftmost placement, unchanged base first): chr8-89981483-T-TTA. GRCh37 (hg19) VCF-style: chr8-90993711-T-TTA.
Other names: c.-37_-36dup (NM_001024688.3); short protein forms N71fs.
Identifiers: ClinVar variation 1455789 (VCV001455789.6), dbSNP rs786202494, ClinGen allele CA2573143456.